The following is an entry in ClinVar:

NM_001290043.2(TAP2):c.1795+8C>T

Gene: TAP2 (transporter 2, ATP binding cassette subfamily B member; minus strand). Cytogenetic location: 6p21.32.
Variant type: single nucleotide variant.
Coding change: c.1795+8C>T on transcript NM_001290043.2 (MANE Select); 8 bases into the intron after coding-DNA position 1795, C replaced by T.
Molecular consequence: intron variant.
Genome position (GRCh38, 1-based): chr6:32,829,922, G>A on the plus strand (C>T on the coding strand, the complement: TAP2 is on the minus strand). VCF-style: chr6-32829922-G-A. GRCh37 (hg19) VCF-style: chr6-32797699-G-A.
Other names: c.1795+8C>T (NM_018833.3, NM_000544.3).
Identifiers: ClinVar variation 1146836 (VCV001146836.12), dbSNP rs374476450, ClinGen allele CA3745800.

ClinVar aggregate classification (germline): Likely benign. Review status: criteria provided, multiple submitters, no conflicts (2 of 4 stars). 3 submissions from 3 submitters: Likely benign (2). 1 of the submissions does not count toward it. Last evaluated 2025-08-11.

Conditions:
TAP2-related disorder. Also called: TAP2-related condition.
MHC class I deficiency. Identifiers: Orphanet 34592, MedGen C6024714, MONDO:0011476.

Allele frequency attached by ClinVar (database versions not stated): ExAC 0.00001; gnomAD exomes 0.00002; TOPMed 0.00002; gnomAD 0.00003; ESP Exome Variant Server 0.00012.
gnomAD v4.1: 77 of 1,612,970 alleles (0.0048%); highest among the groups gnomAD compares: Non-Finnish European, 0.0064%; no homozygotes.

Submissions (3):

Labcorp Genetics (formerly Invitae), Labcorp
Classification: Likely benign for MHC class I deficiency 1. Last evaluated: 2025-08-11. Review status: criteria provided, single submitter. Criteria: Invitae Variant Classification Sherloc (09022015). Collection method: clinical testing. Allele origin: germline.

Blueprint Genetics
Classification: Likely benign. Last evaluated: 2023-09-13. Review status: criteria provided, single submitter. Criteria: ACMG Guidelines, 2015. Collection method: clinical testing. Allele origin: germline.

PreventionGenetics, part of Exact Sciences
Classification: Likely benign for TAP2-related condition. Last evaluated: 2019-02-21. Review status: no assertion criteria provided. Collection method: clinical testing. Allele origin: germline. Not counted in ClinVar's aggregate classification.
Comment: This variant is classified as likely benign based on ACMG/AMP sequence variant interpretation guidelines (Richards et al. 2015 PMID: 25741868, with internal and published modifications).